The following is an entry in ClinVar:

ClinVar aggregate classification (germline): Uncertain significance (1 of 4 stars; one submission).

Allele frequency attached by ClinVar (database versions not stated): gnomAD 0.00001; TOPMed 0.00001.
gnomAD v4.1: 5 of 1,614,044 alleles (0.00031%); highest among the groups gnomAD compares: East Asian, 0.011%; no homozygotes.

Submission:

Labcorp Genetics (formerly Invitae), Labcorp
Classification: Uncertain significance. Last evaluated: 2025-07-21. Review status: criteria provided, single submitter. Criteria: Invitae Variant Classification Sherloc (09022015). Collection method: clinical testing. Allele origin: germline.
Comment: This sequence change replaces proline, which is neutral and non-polar, with arginine, which is basic and polar, at codon 313 of the OAS1 protein (p.Pro313Arg). This variant is not present in population databases (gnomAD no frequency). This variant has not been reported in the literature in individuals affected with OAS1-related conditions. ClinVar contains an entry for this variant (Variation ID: 2788193). An algorithm developed to predict the effect of missense changes on protein structure and function outputs the following: PolyPhen-2: "Benign". The arginine amino acid residue is found in multiple mammalian species, which suggests that this missense change does not adversely affect protein function. In summary, the available evidence is currently insufficient to determine the role of this variant in disease. Therefore, it has been classified as a Variant of Uncertain Significance.

NM_016816.4(OAS1):c.938C>G (p.Pro313Arg)

Gene: OAS1 (2'-5'-oligoadenylate synthetase 1; plus strand). Cytogenetic location: 12q24.13.
Variant type: single nucleotide variant.
Coding change: c.938C>G on transcript NM_016816.4 (MANE Select); coding-DNA position 938, C replaced by G.
Protein change: p.Pro313Arg; replaces proline 313 with arginine.
Molecular consequence: missense variant. On other transcripts: non-coding transcript variant (9).
Genome position (GRCh38, 1-based): chr12:112,917,600, C>G. VCF-style: chr12-112917600-C-G. GRCh37 (hg19) VCF-style: chr12-113355405-C-G.
Other names: c.938C>G, p.Pro313Arg (NM_001032409.3, NM_001320151.2, NM_001406022.1 and 2 more transcripts); c.914C>G, p.Pro305Arg (NM_001406020.1, NM_001406021.1, NM_001406023.1 and 2 more transcripts); c.464C>G, p.Pro155Arg (NM_001406026.1, NM_001406027.1, NM_001406029.1 and 1 more transcripts); short protein forms P305R, P155R, P313R.
Identifiers: ClinVar variation 2788193 (VCV002788193.3), dbSNP rs1475297288, ClinGen allele CA386807780.